The following is an entry in ClinVar:

ClinVar aggregate classification (germline): Likely pathogenic (1 of 4 stars; one submission).

Allele frequency attached by ClinVar (database versions not stated): TOPMed 0.00001; ExAC 0.00002; gnomAD exomes 0.00002; gnomAD 0.00003.
gnomAD v4.1: 25 of 1,613,820 alleles (0.0015%); highest among the groups gnomAD compares: Non-Finnish European, 0.0021%; no homozygotes.

Submission:

Labcorp Genetics (formerly Invitae), Labcorp
Classification: Likely pathogenic. Last evaluated: 2024-10-02. Review status: criteria provided, single submitter. Criteria: Invitae Variant Classification Sherloc (09022015). Collection method: clinical testing. Allele origin: germline.
Comment: This sequence change affects a donor splice site in intron 19 of the CDK5RAP2 gene. It is expected to disrupt RNA splicing. Variants that disrupt the donor or acceptor splice site typically lead to a loss of protein function (PMID: 16199547), and loss-of-function variants in CDK5RAP2 are known to be pathogenic (PMID: 15793586, 20460369, 26436113). This variant is present in population databases (rs755591966, gnomAD 0.006%). This variant has not been reported in the literature in individuals affected with CDK5RAP2-related conditions. ClinVar contains an entry for this variant (Variation ID: 1066422). Algorithms developed to predict the effect of sequence changes on RNA splicing suggest that this variant may disrupt the consensus splice site. In summary, the currently available evidence indicates that the variant is pathogenic, but additional data are needed to prove that conclusively. Therefore, this variant has been classified as Likely Pathogenic.

Literature cited by the submitters: PubMed 16199547; PubMed 15793586; PubMed 20460369; PubMed 26436113.

NM_018249.6(CDK5RAP2):c.2202+1G>A

Gene: CDK5RAP2 (CDK5 regulatory subunit associated protein 2; minus strand). Cytogenetic location: 9q33.2.
Variant type: single nucleotide variant.
Coding change: c.2202+1G>A on transcript NM_018249.6 (MANE Select); the canonical splice donor site of the intron after coding-DNA position 2202, G replaced by A.
Molecular consequence: splice donor variant. On other transcripts: intron variant (3).
Genome position (GRCh38, 1-based): chr9:120,460,571, C>T on the plus strand (G>A on the coding strand, the complement: CDK5RAP2 is on the minus strand). VCF-style: chr9-120460571-C-T. GRCh37 (hg19) VCF-style: chr9-123222849-C-T.
Other names: c.2103+7289G>A (NM_001272039.2); c.2104-1949G>A (NM_001410992.1); c.2199+1G>A (NM_001410994.1); c.2107-1949G>A (NM_001410993.1); c.2202+1G>A (NM_001011649.3).
Identifiers: ClinVar variation 1066422 (VCV001066422.7), dbSNP rs755591966, ClinGen allele CA5214131.